The following is an entry in ClinVar:

NM_000179.3(MSH6):c.2602A>G (p.Met868Val)

Gene: MSH6 (mutS homolog 6; plus strand). Cytogenetic location: 2p16.3.
Variant type: single nucleotide variant.
Coding change: c.2602A>G on transcript NM_000179.3 (MANE Select); coding-DNA position 2602, A replaced by G.
Protein change: p.Met868Val; replaces methionine 868 with valine.
Molecular consequence: missense variant.
Genome position (GRCh38, 1-based): chr2:47,800,585, A>G. VCF-style: chr2-47800585-A-G. GRCh37 (hg19) VCF-style: chr2-48027724-A-G.
Other names: c.2212A>G, p.Met738Val (NM_001281492.2); c.1696A>G, p.Met566Val (NM_001281493.2, NM_001281494.2); short protein forms M566V, M738V, M868V.
Identifiers: ClinVar variation 1378279 (VCV001378279.8), dbSNP rs1669486642, ClinGen allele CA346754933.

ClinVar aggregate classification (germline): Uncertain significance (1 of 4 stars; one submission).

Conditions:
Hereditary nonpolyposis colorectal neoplasms. Identifiers: MedGen C0009405, MeSH D003123.

Submission:

Labcorp Genetics (formerly Invitae), Labcorp
Classification: Uncertain significance for Hereditary nonpolyposis colorectal neoplasms. Last evaluated: 2021-02-16. Review status: criteria provided, single submitter. Criteria: Invitae Variant Classification Sherloc (09022015). Collection method: clinical testing. Allele origin: germline.
Comment: In summary, the available evidence is currently insufficient to determine the role of this variant in disease. Therefore, it has been classified as a Variant of Uncertain Significance. This variant is not present in population databases (ExAC no frequency). This variant has not been reported in the literature in individuals with MSH6-related conditions. Advanced modeling of protein sequence and biophysical properties (such as structural, functional, and spatial information, amino acid conservation, physicochemical variation, residue mobility, and thermodynamic stability) performed at Invitae indicates that this missense variant is not expected to disrupt MSH6 protein function. This sequence change replaces methionine with valine at codon 868 of the MSH6 protein (p.Met868Val). The methionine residue is weakly conserved and there is a small physicochemical difference between methionine and valine.